The following is an entry in ClinVar:

NM_015466.4(PTPN23):c.4683GCC[3] (p.Pro1563dup)

Gene: PTPN23 (protein tyrosine phosphatase non-receptor type 23; plus strand). Cytogenetic location: 3p21.31.
Variant type: Microsatellite.
Coding change: c.4683GCC[3] on transcript NM_015466.4 (MANE Select); three copies in a row of the 3-base unit GCC starting at c.4683; the reference has two copies in a row; one copy, 3 bases duplicated.
Protein change: p.Pro1563dup; duplicates proline 1563.
Molecular consequence: inframe insertion.
Genome position (GRCh38, 1-based): chr3:47,412,960-47,412,962, GCC duplicated; duplicating any 3 consecutive bases within chr3:47,412,957-47,412,962 gives the same sequence; the position shown is the placement nearest the transcript's 3' end. VCF-style (leftmost placement, unchanged base first): chr3-47412956-A-AGCC. GRCh37 (hg19) VCF-style: chr3-47454446-A-AGCC.
Other names: c.4305GCC[3], p.Pro1437dup (NM_001304482.2).
Identifiers: ClinVar variation 1513840 (VCV001513840.6), dbSNP rs1411046290, ClinGen allele CA543043299.

ClinVar aggregate classification (germline): Uncertain significance (1 of 4 stars; one submission).

Submission:

Labcorp Genetics (formerly Invitae), Labcorp
Classification: Uncertain significance. Last evaluated: 2022-04-30. Review status: criteria provided, single submitter. Criteria: Invitae Variant Classification Sherloc (09022015). Collection method: clinical testing. Allele origin: germline.
Comment: In summary, the available evidence is currently insufficient to determine the role of this variant in disease. Therefore, it has been classified as a Variant of Uncertain Significance. Experimental studies and prediction algorithms are not available or were not evaluated, and the functional significance of this variant is currently unknown. This variant has not been reported in the literature in individuals affected with PTPN23-related conditions. This variant is present in population databases (no rsID available, gnomAD 0.001%). This variant, c.4686_4688dup, results in the insertion of 1 amino acid(s) of the PTPN23 protein (p.Pro1563dup), but otherwise preserves the integrity of the reading frame.